The following is an entry in ClinVar:

NM_006180.6(NTRK2):c.359+1G>C

Gene: NTRK2 (neurotrophic receptor tyrosine kinase 2; plus strand). Cytogenetic location: 9q21.33.
Variant type: single nucleotide variant.
Coding change: c.359+1G>C on transcript NM_006180.6 (MANE Select); the canonical splice donor site of the intron after coding-DNA position 359, G replaced by C.
Molecular consequence: splice donor variant.
Genome position (GRCh38, 1-based): chr9:84,702,420, G>C. VCF-style: chr9-84702420-G-C. GRCh37 (hg19) VCF-style: chr9-87317335-G-C.
Other names: c.359+1G>C (NM_001369532.1, NM_001369533.1, NM_001018066.3 and 18 more transcripts); c.-110+1G>C (NM_001369536.1, NM_001369535.1, NM_001369550.1 and 1 more transcripts).
Identifiers: ClinVar variation 1326555 (VCV001326555.2), dbSNP rs2131696095, ClinGen allele CA374005340.

ClinVar aggregate classification (germline): Uncertain significance (1 of 4 stars; one submission).

Submission:

GeneDx
Classification: Uncertain significance. Last evaluated: 2021-05-27. Review status: criteria provided, single submitter. Criteria: GeneDx Variant Classification Process June 2021. Collection method: clinical testing. Allele origin: germline. Affected: yes.
Comment: Not observed at significant frequency in large population cohorts (Lek et al., 2016); Canonical splice site variant with an unclear effect on protein function; Has not been previously published as pathogenic or benign to our knowledge